The following is an entry in ClinVar:

ClinVar aggregate classification (germline): Pathogenic (1 of 4 stars; one submission).

Conditions:
Polycystic kidney disease 4 (PKD4). Also called: PKD3; Autosomal Recessive Polycystic Kidney Disease – PKHD1; POLYCYSTIC KIDNEY AND HEPATIC DISEASE 1; POLYCYSTIC KIDNEY DISEASE, INFANTILE, TYPE I; POLYCYSTIC KIDNEY DISEASE 4 WITH OR WITHOUT POLYCYSTIC LIVER DISEASE. Identifiers: MedGen C4540575, MONDO:0033004, OMIM 263200.

Submission:

Myriad Genetics, Inc.
Classification: Pathogenic for Polycystic kidney disease 4. Last evaluated: 2025-06-11. Review status: criteria provided, single submitter. Criteria: Myriad Autosomal Dominant, Autosomal Recessive and X-Linked Classification Criteria (2023). Collection method: clinical testing. Allele origin: unknown.
Comment: NM_138694.3(PKHD1):c.6124_6125dupTC(L2043Hfs*5) is expected to be pathogenic in the context of autosomal recessive polycystic kidney disease, PKHD1-related. This variant is predicted to lead to an abnormal or absent protein product due to the creation of a premature termination codon in PKHD1, a gene where loss-of-function variants are known to be pathogenic. Please note: this variant was assessed in the context of healthy population screening.

NM_138694.4(PKHD1):c.6124_6125dup (p.Leu2043fs)

Gene: PKHD1 (PKHD1 ciliary IPT domain containing fibrocystin/polyductin; minus strand). Cytogenetic location: 6p12.2.
Variant type: Duplication.
Coding change: c.6124_6125dup on transcript NM_138694.4 (MANE Select); coding-DNA positions 6124 to 6125, 2 bases duplicated (TC; older notation c.6124_6125dupTC).
Protein change: p.Leu2043fs; shifts the reading frame from leucine 2043.
Molecular consequence: frameshift variant.
Genome position (GRCh38, 1-based): chr6:51,912,573-51,912,574, GA duplicated on the plus strand (TC on the coding strand, the reverse complement: PKHD1 is on the minus strand). VCF-style (leftmost placement, unchanged base first): chr6-51912572-T-TGA. GRCh37 (hg19) VCF-style: chr6-51777370-T-TGA.
Other names: c.6124_6125dup, p.Leu2043fs (NM_170724.3); short protein forms L2043fs.
Identifiers: ClinVar variation 5014588 (VCV005014588.1).